The following is an entry in ClinVar:

NM_018834.6(MATR3):c.2363T>C (p.Val788Ala)

Gene: MATR3 (matrin 3; plus strand). Cytogenetic location: 5q31.2.
Variant type: single nucleotide variant.
Coding change: c.2363T>C on transcript NM_018834.6 (MANE Select); coding-DNA position 2363, T replaced by C.
Protein change: p.Val788Ala; replaces valine 788 with alanine.
Molecular consequence: missense variant.
Genome position (GRCh38, 1-based): chr5:139,325,654, T>C. VCF-style: chr5-139325654-T-C. GRCh37 (hg19) VCF-style: chr5-138661343-T-C.
Other names: c.2363T>C, p.Val788Ala (NM_001194954.2, NM_001194955.2, NM_001400447.1 and 11 more transcripts); c.1499T>C, p.Val500Ala (NM_001194956.2); c.1349T>C, p.Val450Ala (NM_001282278.2, NM_001400462.1, NM_001400463.1 and 4 more transcripts); c.2507T>C, p.Val836Ala (NM_001400441.1, NM_001400442.1, NM_001400443.1 and 2 more transcripts); c.1502T>C, p.Val501Ala (NM_001400459.1); c.1493T>C, p.Val498Ala (NM_001400460.1); c.1463T>C, p.Val488Ala (NM_001400461.1); short protein forms V788A, V836A, V498A, V488A, V501A, V450A, V500A.
Identifiers: ClinVar variation 2973169 (VCV002973169.3), dbSNP rs2546884969, ClinGen allele CA361146676.

ClinVar aggregate classification (germline): Uncertain significance (1 of 4 stars; one submission).

Conditions:
Amyotrophic lateral sclerosis type 21. Also called: MYOPATHY, DISTAL, 2; VOCAL CORD AND PHARYNGEAL DYSFUNCTION WITH DISTAL MYOPATHY. Identifiers: Orphanet 600, Orphanet 803, MedGen C3807521, MONDO:0011632, OMIM 606070.

Allele frequency attached by ClinVar (database versions not stated): gnomAD exomes below 0.00001.
gnomAD v4.1: 2 of 1,613,628 alleles (0.00012%); highest among the groups gnomAD compares: Non-Finnish European, 0.00017%; no homozygotes.

Submission:

Labcorp Genetics (formerly Invitae), Labcorp
Classification: Uncertain significance for Amyotrophic lateral sclerosis type 21. Last evaluated: 2023-03-18. Review status: criteria provided, single submitter. Criteria: Invitae Variant Classification Sherloc (09022015). Collection method: clinical testing. Allele origin: germline.
Comment: This variant has not been reported in the literature in individuals affected with MATR3-related conditions. An algorithm developed to predict the effect of missense changes on protein structure and function (PolyPhen-2) suggests that this variant is likely to be tolerated. In summary, the available evidence is currently insufficient to determine the role of this variant in disease. Therefore, it has been classified as a Variant of Uncertain Significance. This variant is not present in population databases (gnomAD no frequency). This sequence change replaces valine, which is neutral and non-polar, with alanine, which is neutral and non-polar, at codon 788 of the MATR3 protein (p.Val788Ala).